The following is an entry in ClinVar:

ClinVar aggregate classification (germline): Likely benign. Review status: criteria provided, multiple submitters, no conflicts (2 of 4 stars). 4 submissions from 4 submitters: Likely benign (4). Last evaluated 2026-08-01.

Conditions:
MYO7A-related disorder. Also called: MYO7A-related disorders.

Allele frequency attached by ClinVar (database versions not stated): 1000 Genomes Project 30x 0.00031.
gnomAD v4.1: 19 of 1,614,020 alleles (0.0012%); highest among the groups gnomAD compares: Admixed American, 0.03%; no homozygotes.

Submissions (4):

CeGaT Center for Human Genetics Tuebingen
Classification: Likely benign. Last evaluated: 2026-08-01. Review status: criteria provided, single submitter. Criteria: CeGaT Center For Human Genetics Tuebingen Variant Classification Criteria Version 2. Collection method: clinical testing. Allele origin: germline. Affected: yes. Observed: 1 variant allele.
Comment: MYO7A: BP4, BP7

Labcorp Genetics (formerly Invitae), Labcorp
Classification: Likely benign. Last evaluated: 2025-10-15. Review status: criteria provided, single submitter. Criteria: Invitae Variant Classification Sherloc (09022015). Collection method: clinical testing. Allele origin: germline.

PreventionGenetics, part of Exact Sciences
Classification: Likely benign for MYO7A-related condition. Last evaluated: 2025-08-19. Review status: criteria provided, single submitter. Criteria: ACMG Guidelines, 2015. Collection method: clinical testing. Allele origin: germline.
Comment: This variant is classified as likely benign based on ACMG/AMP sequence variant interpretation guidelines (Richards et al. 2015 PMID: 25741868, with internal and published modifications).

Blueprint Genetics
Classification: Likely benign. Last evaluated: 2022-02-01. Review status: criteria provided, single submitter. Criteria: ACMG Guidelines, 2015. Collection method: clinical testing. Allele origin: germline.

NM_000260.4(MYO7A):c.549G>C (p.Ser183=)

Gene: MYO7A (myosin VIIA; plus strand). Cytogenetic location: 11q13.5.
Variant type: single nucleotide variant.
Coding change: c.549G>C on transcript NM_000260.4 (MANE Select); coding-DNA position 549, G replaced by C.
Protein change: p.Ser183=; no amino-acid change (serine 183 retained).
Molecular consequence: synonymous variant.
Genome position (GRCh38, 1-based): chr11:77,156,738, G>C. VCF-style: chr11-77156738-G-C. GRCh37 (hg19) VCF-style: chr11-76867784-G-C.
Other names: c.549G>C, p.Ser183= (NM_001127180.2); c.516G>C, p.Ser172= (NM_001369365.1); c.549G>C (NM_000260.3).
Identifiers: ClinVar variation 1084190 (VCV001084190.12), dbSNP rs188198404, ClinGen allele CA6197166.